The following is an entry in ClinVar:

NM_020778.5(ALPK3):c.41G>A (p.Gly14Asp)

Gene: ALPK3 (alpha kinase 3; plus strand). Cytogenetic location: 15q25.3.
Variant type: single nucleotide variant.
Coding change: c.41G>A on transcript NM_020778.5 (MANE Select); coding-DNA position 41, G replaced by A.
Protein change: p.Gly14Asp; replaces glycine 14 with aspartic acid.
Molecular consequence: missense variant.
Genome position (GRCh38, 1-based): chr15:84,817,493, G>A. VCF-style: chr15-84817493-G-A. GRCh37 (hg19) VCF-style: chr15-85360724-G-A.
Other names: short protein forms G14D.
Identifiers: ClinVar variation 3533081 (VCV003533081.1).

ClinVar aggregate classification (germline): Uncertain significance (1 of 4 stars; one submission).

Conditions:
Cardiovascular phenotype. Identifiers: MedGen CN230736.

Submission:

Ambry Genetics
Classification: Uncertain significance for Cardiovascular phenotype. Last evaluated: 2024-09-11. Review status: criteria provided, single submitter. Criteria: Ambry Variant Classification Scheme 2023. Collection method: clinical testing. Allele origin: germline.
Comment: The p.G216D variant (also known as c.647G>A), located in coding exon 1 of the ALPK3 gene, results from a G to A substitution at nucleotide position 647. The glycine at codon 216 is replaced by aspartic acid, an amino acid with similar properties. This amino acid position is conserved. In addition, this alteration is predicted to be tolerated by in silico analysis. Based on the available evidence, the clinical significance of this variant remains unclear.